The following is an entry in ClinVar:

ClinVar aggregate classification (germline): Benign/Likely benign. Review status: criteria provided, multiple submitters, no conflicts (2 of 4 stars). 7 submissions from 7 submitters: Benign (1); Likely benign (4). 2 of the submissions do not count toward it. Last evaluated 2026-01-06.

Conditions:
Chondrodysplasia punctata, brachytelephalangic, autosomal. Also called: BRACHYTELEPHALANGIC CHONDRODYSPLASIA PUNCTATA. Identifiers: MedGen C1844853, MONDO:0011238, OMIM 602497.
Inborn genetic diseases. Identifiers: MedGen C0950123, MeSH D030342.
X-linked chondrodysplasia punctata 1 (CDPX1). Also called: CHONDRODYSPLASIA PUNCTATA, BRACHYTELEPHALANGIC; Chondrodysplasia punctata, X-linked recessive. Identifiers: Orphanet 79345, MedGen C3669395, MONDO:0010555, OMIM 302950.
Intellectual disability. Also called: Intellectual developmental disorder; intellectual disabilities; Intellectual functioning disability. Identifiers: MedGen C3714756, MeSH D008607, MONDO:0001071, HP:0001249.

Allele frequency attached by ClinVar (database versions not stated): ExAC 0.00011; gnomAD exomes 0.00018 and 0.00038; gnomAD 0.00020 and 0.00021; TOPMed 0.00027; ESP Exome Variant Server 0.00028.
gnomAD v4.1: 433 of 1,209,908 alleles (0.036%); highest among the groups gnomAD compares: Non-Finnish European, 0.045%; 1 homozygote.

Submissions (7):

Labcorp Genetics (formerly Invitae), Labcorp
Classification: Benign for Chondrodysplasia punctata, brachytelephalangic, autosomal. Last evaluated: 2026-01-06. Review status: criteria provided, single submitter. Criteria: Invitae Variant Classification Sherloc (09022015). Collection method: clinical testing. Allele origin: germline.

Blueprint Genetics
Classification: Likely benign. Last evaluated: 2024-08-19. Review status: criteria provided, single submitter. Criteria: ACMG Guidelines, 2015. Collection method: clinical testing. Allele origin: germline.

CeGaT Center for Human Genetics Tuebingen
Classification: Likely benign. Last evaluated: 2023-02-01. Review status: criteria provided, single submitter. Criteria: CeGaT Center For Human Genetics Tuebingen Variant Classification Criteria Version 2. Collection method: clinical testing. Allele origin: germline. Affected: yes. Observed: 1 variant allele.
Comment: ARSL: BS2

Ambry Genetics
Classification: Likely benign for Inborn genetic diseases. Last evaluated: 2022-01-18. Review status: criteria provided, single submitter. Criteria: Ambry Variant Classification Scheme 2023. Collection method: clinical testing. Allele origin: germline.

Cambridge Genomics Laboratory, East Genomic Laboratory Hub, NHS Genomic Medicine Service
Classification: Likely benign for Intellectual disability. Last evaluated: 2020-03-20. Review status: criteria provided, single submitter. Criteria: ACGS Best Practice Guidelines for Variant Classification in Rare Disease 2020. Collection method: clinical testing. Allele origin: germline. Affected: yes. Observed: 1 variant allele.

Clinical Genetics DNA and cytogenetics Diagnostics Lab, Erasmus MC, Erasmus Medical Center
Classification: Likely benign. Review status: no assertion criteria provided. Collection method: clinical testing. Allele origin: germline. Affected: yes. Study: VKGL Data-share Consensus. Not counted in ClinVar's aggregate classification.

Diagnostic Laboratory, Department of Genetics, University Medical Center Groningen
Classification: Likely benign for X-linked chondrodysplasia punctata 1. Review status: no assertion criteria provided. Collection method: clinical testing. Allele origin: germline. Affected: yes. Study: VKGL Data-share Consensus. Not counted in ClinVar's aggregate classification.

NM_000047.3(ARSL):c.467G>A (p.Ser156Asn)

Gene: ARSL (arylsulfatase L; minus strand). Cytogenetic location: Xp22.33.
Variant type: single nucleotide variant.
Coding change: c.467G>A on transcript NM_000047.3 (MANE Select); coding-DNA position 467, G replaced by A.
Protein change: p.Ser156Asn; replaces serine 156 with asparagine.
Molecular consequence: missense variant.
Genome position (GRCh38, 1-based): chrX:2,949,691, C>T on the plus strand (G>A on the coding strand, the complement: ARSL is on the minus strand). VCF-style: chrX-2949691-C-T. GRCh37 (hg19) VCF-style: chrX-2867732-C-T.
Other names: c.542G>A, p.Ser181Asn (NM_001282628.2, NM_001369080.1); c.305G>A, p.Ser102Asn (NM_001282631.2); c.494G>A, p.Ser165Asn (NM_001369079.1); short protein forms S156N, S181N, S102N, S165N.
Identifiers: ClinVar variation 518419 (VCV000518419.39), dbSNP rs41310272, ClinGen allele CA10338184.